The following is an entry in ClinVar:

ClinVar aggregate classification (germline): Likely pathogenic (1 of 4 stars; one submission).

Conditions:
Congenital anomaly of kidney and urinary tract. Also called: Congenital anomalies of the kidney and urinary tract; Congenital anomalies of kidney and urinary tract. Identifiers: Orphanet 93545, MedGen C1968949, MeSH C566906, MONDO:0019719.

Submission:

Institute of Human Genetics, University of Leipzig Medical Center
Classification: Likely pathogenic for Congenital anomaly of kidney and urinary tract. Last evaluated: 2021-11-17. Review status: criteria provided, single submitter. Criteria: ACMG Guidelines, 2015. Collection method: clinical testing. Allele origin: paternal. Inheritance: Autosomal recessive inheritance. Affected: yes.
Comment: PVS1_VeryStrong, PM2_Supporting

NM_002941.4(ROBO1):c.4015_4018del (p.Ala1339fs)

Gene: ROBO1 (roundabout guidance receptor 1; minus strand). Cytogenetic location: 3p12.3.
Variant type: Deletion.
Coding change: c.4015_4018del on transcript NM_002941.4 (MANE Select); coding-DNA positions 4015 to 4018, 4 bases deleted (GCCA; older notation c.4015_4018delGCCA).
Protein change: p.Ala1339fs; shifts the reading frame from alanine 1339.
Molecular consequence: frameshift variant.
Genome position (GRCh38, 1-based): chr3:78,617,899-78,617,902, TGGC deleted on the plus strand (GCCA on the coding strand, the reverse complement: ROBO1 is on the minus strand); deleting any 4 consecutive bases within chr3:78,617,899-78,617,903 gives the same sequence; the c. name uses the placement nearest the transcript's 3' end. VCF-style (leftmost placement, unchanged base first): chr3-78617898-TTGGC-T. GRCh37 (hg19) VCF-style: chr3-78667048-TTGGC-T.
Other names: c.3715_3718del, p.Ala1239fs (NM_001145845.2); c.3880_3883del, p.Ala1294fs (NM_133631.4); short protein forms A1239fs, A1294fs, A1339fs.
Identifiers: ClinVar variation 1321866 (VCV001321866.1), dbSNP rs2107397010, ClinGen allele CA2573052240.